The following is an entry in ClinVar:

NM_138690.3(GRIN3B):c.2210C>A (p.Pro737His)

Gene: GRIN3B (glutamate ionotropic receptor NMDA type subunit 3B; plus strand). Cytogenetic location: 19p13.3.
Variant type: single nucleotide variant.
Coding change: c.2210C>A on transcript NM_138690.3 (MANE Select); coding-DNA position 2210, C replaced by A.
Protein change: p.Pro737His; replaces proline 737 with histidine.
Molecular consequence: missense variant.
Genome position (GRCh38, 1-based): chr19:1,007,867, C>A. VCF-style: chr19-1007867-C-A. GRCh37 (hg19) VCF-style: chr19-1007866-C-A.
Other names: short protein forms P737H.
Identifiers: ClinVar variation 3239000 (VCV003239000.19), dbSNP rs148406831.

ClinVar aggregate classification (germline): Likely benign (1 of 4 stars; one submission).

Allele frequency attached by ClinVar (database versions not stated): 1000 Genomes Project 0.00120; 1000 Genomes Project 30x 0.00141; ESP Exome Variant Server 0.00247.
gnomAD v4.1: 5,829 of 1,610,794 alleles (0.36%); highest among the groups gnomAD compares: Middle Eastern, 0.45%; 16 homozygotes.

Submission:

CeGaT Center for Human Genetics Tuebingen
Classification: Likely benign. Last evaluated: 2024-05-01. Review status: criteria provided, single submitter. Criteria: CeGaT Center For Human Genetics Tuebingen Variant Classification Criteria Version 2. Collection method: clinical testing. Allele origin: germline. Affected: yes. Observed: 1 variant allele.
Comment: GRIN3B: BS2